The following is an entry in ClinVar:

NM_000531.6(OTC):c.376G>A (p.Asp126Asn)

Gene: OTC (ornithine transcarbamylase; plus strand). Cytogenetic location: Xp11.4.
Variant type: single nucleotide variant.
Coding change: c.376G>A on transcript NM_000531.6 (MANE Select); coding-DNA position 376, G replaced by A.
Protein change: p.Asp126Asn; replaces aspartic acid 126 with asparagine.
Molecular consequence: missense variant.
Genome position (GRCh38, 1-based): chrX:38,381,419, G>A. VCF-style: chrX-38381419-G-A. GRCh37 (hg19) VCF-style: chrX-38240672-G-A.
Other names: c.376G>A, p.Asp126Asn (NM_001407092.1); short protein forms D126N.
Identifiers: ClinVar variation 1973524 (VCV001973524.5), dbSNP rs2519959270, ClinGen allele CA412718566.

ClinVar aggregate classification (germline): Likely pathogenic (1 of 4 stars; one submission).

Conditions:
Ornithine carbamoyltransferase deficiency (OTCD). Also called: Ornithine Carbamoyltransferase Deficiency Disease; ORNITHINE TRANSCARBAMYLASE DEFICIENCY; ORNITHINE TRANSCARBAMYLASE DEFICIENCY, HYPERAMMONEMIA DUE TO; OTC DEFICIENCY. Identifiers: Orphanet 664, MedGen C0268542, MONDO:0010703, OMIM 311250.

Submission:

Labcorp Genetics (formerly Invitae), Labcorp
Classification: Likely pathogenic for Ornithine carbamoyltransferase deficiency. Last evaluated: 2022-09-24. Review status: criteria provided, single submitter. Criteria: Invitae Variant Classification Sherloc (09022015). Collection method: clinical testing. Allele origin: germline.
Comment: This sequence change replaces aspartic acid, which is acidic and polar, with asparagine, which is neutral and polar, at codon 126 of the OTC protein (p.Asp126Asn). This variant is not present in population databases (gnomAD no frequency). This variant has not been reported in the literature in individuals affected with OTC-related conditions. Advanced modeling of protein sequence and biophysical properties (such as structural, functional, and spatial information, amino acid conservation, physicochemical variation, residue mobility, and thermodynamic stability) performed at Invitae indicates that this missense variant is expected to disrupt OTC protein function. This variant disrupts the p.Asp126 amino acid residue in OTC. Other variant(s) that disrupt this residue have been determined to be pathogenic (PMID: 8081398, 34014569). This suggests that this residue is clinically significant, and that variants that disrupt this residue are likely to be disease-causing. In summary, the currently available evidence indicates that the variant is pathogenic, but additional data are needed to prove that conclusively. Therefore, this variant has been classified as Likely Pathogenic.

Literature cited by the submitters: PubMed 8081398; PubMed 34014569.